The following is an entry in ClinVar:

ClinVar aggregate classification (germline): Likely benign. Review status: criteria provided, multiple submitters, no conflicts (2 of 4 stars). 3 submissions from 3 submitters: Likely benign (3). Last evaluated 2026-04-01.

Conditions:
Hereditary cancer-predisposing syndrome. Also called: Hereditary Cancer Syndrome; Hereditary neoplastic syndrome; Neoplastic Syndromes, Hereditary; Tumor predisposition. Identifiers: Orphanet 140162, MedGen C0027672, MeSH D009386, MONDO:0015356.
Cardiovascular phenotype. Identifiers: MedGen CN230736.

Submissions (3):

CeGaT Center for Human Genetics Tuebingen
Classification: Likely benign. Last evaluated: 2026-04-01. Review status: criteria provided, single submitter. Criteria: CeGaT Center For Human Genetics Tuebingen Variant Classification Criteria Version 2. Collection method: clinical testing. Allele origin: germline. Affected: yes. Observed: 1 variant allele.
Comment: LZTR1: PM2:Supporting, BP4, BP7

Ambry Genetics
Classification: Likely benign for Cardiovascular phenotype; Hereditary cancer-predisposing syndrome. Last evaluated: 2024-09-12. Review status: criteria provided, single submitter. Criteria: Ambry Variant Classification Scheme 2023. Collection method: clinical testing. Allele origin: germline.

Labcorp Genetics (formerly Invitae), Labcorp
Classification: Likely benign. Last evaluated: 2023-11-27. Review status: criteria provided, single submitter. Criteria: Invitae Variant Classification Sherloc (09022015). Collection method: clinical testing. Allele origin: germline.

NM_006767.4(LZTR1):c.1362G>A (p.Glu454=)

Gene: LZTR1 (leucine zipper like post translational regulator 1; plus strand). Cytogenetic location: 22q11.21.
Variant type: single nucleotide variant.
Coding change: c.1362G>A on transcript NM_006767.4 (MANE Select); coding-DNA position 1362, G replaced by A.
Protein change: p.Glu454=; no amino-acid change (glutamic acid 454 retained).
Molecular consequence: synonymous variant.
Genome position (GRCh38, 1-based): chr22:20,993,932, G>A. VCF-style: chr22-20993932-G-A. GRCh37 (hg19) VCF-style: chr22-21348221-G-A.
Other names: c.1362G>A (NM_006767.3).
Identifiers: ClinVar variation 2893677 (VCV002893677.6), dbSNP rs2518620375, ClinGen allele CA513459041.